The following is an entry in ClinVar:

ClinVar aggregate classification (germline): Uncertain significance (1 of 4 stars; one submission).

Conditions:
RYR1-related disorder. Also called: RYR1-related condition; RYR1-related disorders. Identifiers: MedGen CN239331.

Submission:

Labcorp Genetics (formerly Invitae), Labcorp
Classification: Uncertain significance for RYR1-related disorder. Last evaluated: 2024-02-17. Review status: criteria provided, single submitter. Criteria: Invitae Variant Classification Sherloc (09022015). Collection method: clinical testing. Allele origin: germline.
Comment: This sequence change replaces isoleucine, which is neutral and non-polar, with valine, which is neutral and non-polar, at codon 3914 of the RYR1 protein (p.Ile3914Val). This variant is not present in population databases (gnomAD no frequency). This variant has not been reported in the literature in individuals affected with RYR1-related conditions. Advanced modeling of protein sequence and biophysical properties (such as structural, functional, and spatial information, amino acid conservation, physicochemical variation, residue mobility, and thermodynamic stability) performed at Invitae indicates that this missense variant is not expected to disrupt RYR1 protein function with a negative predictive value of 95%. In summary, the available evidence is currently insufficient to determine the role of this variant in disease. Therefore, it has been classified as a Variant of Uncertain Significance.

NM_000540.3(RYR1):c.11740A>G (p.Ile3914Val)

Gene: RYR1 (ryanodine receptor 1; plus strand). Cytogenetic location: 19q13.2.
Variant type: single nucleotide variant.
Coding change: c.11740A>G on transcript NM_000540.3 (MANE Select); coding-DNA position 11740, A replaced by G.
Protein change: p.Ile3914Val; replaces isoleucine 3914 with valine.
Molecular consequence: missense variant.
Genome position (GRCh38, 1-based): chr19:38,543,397, A>G. VCF-style: chr19-38543397-A-G. GRCh37 (hg19) VCF-style: chr19-39034037-A-G.
Other names: c.11725A>G, p.Ile3909Val (NM_001042723.2); short protein forms I3909V, I3914V.
Identifiers: ClinVar variation 3687226 (VCV003687226.2).